The following is an entry in ClinVar:

ClinVar aggregate classification (germline): Uncertain significance (1 of 4 stars; one submission).

Allele frequency attached by ClinVar (database versions not stated): gnomAD exomes below 0.00001; TOPMed below 0.00001; ExAC 0.00002.
gnomAD v4.1: 8 of 1,613,982 alleles (0.0005%); highest among the groups gnomAD compares: Middle Eastern, 0.016%; no homozygotes.

Submission:

Labcorp Genetics (formerly Invitae), Labcorp
Classification: Uncertain significance. Last evaluated: 2022-10-24. Review status: criteria provided, single submitter. Criteria: Invitae Variant Classification Sherloc (09022015). Collection method: clinical testing. Allele origin: germline.
Comment: This sequence change replaces glutamine, which is neutral and polar, with histidine, which is basic and polar, at codon 381 of the C5 protein (p.Gln381His). This variant is present in population databases (rs755287533, gnomAD 0.003%). This variant has not been reported in the literature in individuals affected with C5-related conditions. Advanced modeling of protein sequence and biophysical properties (such as structural, functional, and spatial information, amino acid conservation, physicochemical variation, residue mobility, and thermodynamic stability) performed at Invitae indicates that this missense variant is expected to disrupt C5 protein function. In summary, the available evidence is currently insufficient to determine the role of this variant in disease. Therefore, it has been classified as a Variant of Uncertain Significance.

NM_001735.3(C5):c.1143G>C (p.Gln381His)

Gene: C5 (complement C5; minus strand). Cytogenetic location: 9q33.2.
Variant type: single nucleotide variant.
Coding change: c.1143G>C on transcript NM_001735.3 (MANE Select); coding-DNA position 1143, G replaced by C.
Protein change: p.Gln381His; replaces glutamine 381 with histidine.
Molecular consequence: missense variant.
Genome position (GRCh38, 1-based): chr9:121,021,668, C>G on the plus strand (G>C on the coding strand, the complement: C5 is on the minus strand). VCF-style: chr9-121021668-C-G. GRCh37 (hg19) VCF-style: chr9-123783946-C-G.
Other names: c.1161G>C, p.Gln387His (NM_001317163.2); c.1143G>C, p.Gln381His (NM_001317164.2); short protein forms Q387H, Q381H.
Identifiers: ClinVar variation 1963530 (VCV001963530.2), dbSNP rs755287533, ClinGen allele CA5218142.